The following is an entry in ClinVar:

ClinVar aggregate classification (germline): Uncertain significance. Review status: criteria provided, multiple submitters, no conflicts (2 of 4 stars). 2 submissions from 2 submitters: Uncertain significance (2). Last evaluated 2025-05-21.

Conditions:
Hereditary cancer-predisposing syndrome. Also called: Hereditary neoplastic syndrome; Neoplastic Syndromes, Hereditary; Tumor predisposition; Hereditary Cancer Syndrome. Identifiers: Orphanet 140162, MedGen C0027672, MeSH D009386, MONDO:0015356.
Bloom syndrome (BLM). Also called: Bloom-Torre-Machacek syndrome. Identifiers: Orphanet 125, MedGen C0005859, MONDO:0008876, OMIM 210900.

gnomAD v4.1: 2 of 1,612,946 alleles (0.00012%); highest among the groups gnomAD compares: Non-Finnish European, 0.00017%; no homozygotes.

Submissions (2):

Labcorp Genetics (formerly Invitae), Labcorp
Classification: Uncertain significance for Bloom syndrome. Last evaluated: 2025-05-21. Review status: criteria provided, single submitter. Criteria: Invitae Variant Classification Sherloc (09022015). Collection method: clinical testing. Allele origin: germline.
Comment: This sequence change replaces threonine, which is neutral and polar, with asparagine, which is neutral and polar, at codon 283 of the BLM protein (p.Thr283Asn). This variant is not present in population databases (gnomAD no frequency). This variant has not been reported in the literature in individuals affected with BLM-related conditions. ClinVar contains an entry for this variant (Variation ID: 3824479). Invitae Evidence Modeling of protein sequence and biophysical properties (such as structural, functional, and spatial information, amino acid conservation, physicochemical variation, residue mobility, and thermodynamic stability) indicates that this missense variant is not expected to disrupt BLM protein function with a negative predictive value of 80%. In summary, the available evidence is currently insufficient to determine the role of this variant in disease. Therefore, it has been classified as a Variant of Uncertain Significance.

Ambry Genetics
Classification: Uncertain significance for Hereditary cancer-predisposing syndrome. Last evaluated: 2025-03-04. Review status: criteria provided, single submitter. Criteria: Ambry Variant Classification Scheme 2023. Collection method: clinical testing. Allele origin: germline.
Comment: The p.T283N variant (also known as c.848C>A), located in coding exon 3 of the BLM gene, results from a C to A substitution at nucleotide position 848. The threonine at codon 283 is replaced by asparagine, an amino acid with similar properties. This amino acid position is conserved. In addition, this alteration is predicted to be tolerated by in silico analysis. Based on the available evidence, the clinical significance of this variant remains unclear.

NM_000057.4(BLM):c.848C>A (p.Thr283Asn)

Gene: BLM (BLM RecQ like helicase; plus strand). Cytogenetic location: 15q26.1.
Variant type: single nucleotide variant.
Coding change: c.848C>A on transcript NM_000057.4 (MANE Select); coding-DNA position 848, C replaced by A.
Protein change: p.Thr283Asn; replaces threonine 283 with asparagine.
Molecular consequence: missense variant. On other transcripts: 5 prime UTR variant (1).
Genome position (GRCh38, 1-based): chr15:90,751,835, C>A. VCF-style: chr15-90751835-C-A. GRCh37 (hg19) VCF-style: chr15-91295065-C-A.
Other names: c.848C>A, p.Thr283Asn (NM_001287246.2, NM_001287247.2); c.-444C>A (NM_001287248.2); short protein forms T283N.
Identifiers: ClinVar variation 3824479 (VCV003824479.2).